The following is an entry in ClinVar:

NM_000455.5(STK11):c.111G>C (p.Gln37His)

Gene: STK11 (serine/threonine kinase 11; plus strand). Cytogenetic location: 19p13.3.
Variant type: single nucleotide variant.
Coding change: c.111G>C on transcript NM_000455.5 (MANE Select); coding-DNA position 111, G replaced by C.
Protein change: p.Gln37His; replaces glutamine 37 with histidine.
Molecular consequence: missense variant.
Genome position (GRCh38, 1-based): chr19:1,207,024, G>C. VCF-style: chr19-1207024-G-C. GRCh37 (hg19) VCF-style: chr19-1207023-G-C.
Other names: c.111G>C, p.Gln37His (NM_001407255.1); short protein forms Q37H.
Identifiers: ClinVar variation 1797410 (VCV001797410.5), dbSNP rs1367202702, ClinGen allele CA402943900.

ClinVar aggregate classification (germline): Uncertain significance. Review status: criteria provided, multiple submitters, no conflicts (2 of 4 stars). 2 submissions from 2 submitters: Uncertain significance (2). Last evaluated 2023-10-13.

Conditions:
Hereditary cancer-predisposing syndrome. Also called: Neoplastic Syndromes, Hereditary; Tumor predisposition; Hereditary neoplastic syndrome; Hereditary Cancer Syndrome. Identifiers: Orphanet 140162, MedGen C0027672, MeSH D009386, MONDO:0015356.
Peutz-Jeghers syndrome (PJS). Also called: POLYPOSIS, HAMARTOMATOUS INTESTINAL; POLYPS-AND-SPOTS SYNDROME; Peutz-Jeghers polyposis; Periorificial lentiginosis syndrome. Identifiers: Orphanet 2869, MedGen C0031269, MeSH D010580, MONDO:0008280, OMIM 175200.

Submissions (2):

Labcorp Genetics (formerly Invitae), Labcorp
Classification: Uncertain significance for Peutz-Jeghers syndrome. Last evaluated: 2023-10-13. Review status: criteria provided, single submitter. Criteria: Invitae Variant Classification Sherloc (09022015). Collection method: clinical testing. Allele origin: germline.
Comment: This sequence change replaces glutamine, which is neutral and polar, with histidine, which is basic and polar, at codon 37 of the STK11 protein (p.Gln37His). This variant is not present in population databases (gnomAD no frequency). This variant has not been reported in the literature in individuals affected with STK11-related conditions. ClinVar contains an entry for this variant (Variation ID: 1797410). Advanced modeling of protein sequence and biophysical properties (such as structural, functional, and spatial information, amino acid conservation, physicochemical variation, residue mobility, and thermodynamic stability) has been performed at Invitae for this missense variant, however the output from this modeling did not meet the statistical confidence thresholds required to predict the impact of this variant on STK11 protein function. In summary, the available evidence is currently insufficient to determine the role of this variant in disease. Therefore, it has been classified as a Variant of Uncertain Significance.

Ambry Genetics
Classification: Uncertain significance for Hereditary cancer-predisposing syndrome. Last evaluated: 2021-06-15. Review status: criteria provided, single submitter. Criteria: Ambry Variant Classification Scheme 2023. Collection method: clinical testing. Allele origin: germline.
Comment: The p.Q37H variant (also known as c.111G>C), located in coding exon 1 of the STK11 gene, results from a G to C substitution at nucleotide position 111. The glutamine at codon 37 is replaced by histidine, an amino acid with highly similar properties. This amino acid position is highly conserved in available vertebrate species. In addition, the in silico prediction for this alteration is inconclusive. Since supporting evidence is limited at this time, the clinical significance of this alteration remains unclear.